The following is an entry in ClinVar:

NM_006846.4(SPINK5):c.715dup (p.Cys239fs)

Gene: SPINK5 (serine peptidase inhibitor Kazal type 5; plus strand). Cytogenetic location: 5q32.
Variant type: Duplication.
Coding change: c.715dup on transcript NM_006846.4 (MANE Select); coding-DNA position 715, one base duplicated (T; older notation c.715dupT).
Protein change: p.Cys239fs; shifts the reading frame from cysteine 239.
Molecular consequence: frameshift variant.
Genome position (GRCh38, 1-based): chr5:148,094,402, T duplicated; the last of 6 consecutive T bases (chr5:148,094,397-148,094,402); duplicating any one gives the same sequence. VCF-style (leftmost placement, unchanged base first): chr5-148094396-C-CT. GRCh37 (hg19) VCF-style: chr5-147473959-C-CT.
Other names: c.715dup, p.Cys239fs (NM_001127698.2, NM_001127699.2); short protein forms C239fs.
Identifiers: ClinVar variation 2579679 (VCV002579679.5), dbSNP rs773514258, ClinGen allele CA563521600.

ClinVar aggregate classification (germline): Pathogenic. Review status: criteria provided, multiple submitters, no conflicts (2 of 4 stars). 3 submissions from 3 submitters: Pathogenic (2). 1 of the submissions does not count toward it. Last evaluated 2025-03-22.

Conditions:
Ichthyosis linearis circumflexa. Identifiers: MedGen C0265962, MONDO:0043106, HP:0025810.
Netherton syndrome (NETH). Also called: ERYTHRODERMA, ICHTHYOSIFORM, WITH HYPOTRICHOSIS AND HYPER-IgE; COMEL-NETHERTON SYNDROME; NETHERTON DISEASE. Identifiers: Orphanet 634, MedGen C5574950, MONDO:0009735, OMIM 256500.

Submissions (3):

Labcorp Genetics (formerly Invitae), Labcorp
Classification: Pathogenic for Ichthyosis linearis circumflexa. Last evaluated: 2025-03-22. Review status: criteria provided, single submitter. Criteria: Invitae Variant Classification Sherloc (09022015). Collection method: clinical testing. Allele origin: germline.
Comment: This sequence change creates a premature translational stop signal (p.Cys239Leufs*6) in the SPINK5 gene. It is expected to result in an absent or disrupted protein product. Loss-of-function variants in SPINK5 are known to be pathogenic (PMID: 11511292, 11841556). This variant is present in population databases (no rsID available, gnomAD 0.0009%). This premature translational stop signal has been observed in individual(s) with Netherton syndrome (PMID: 15304086, 17989726). ClinVar contains an entry for this variant (Variation ID: 2579679). Algorithms developed to predict the effect of sequence changes on RNA splicing suggest that this variant may disrupt the consensus splice site. For these reasons, this variant has been classified as Pathogenic.

3billion
Classification: Pathogenic for Netherton syndrome. Last evaluated: 2024-10-10. Review status: criteria provided, single submitter. Criteria: ACMG Guidelines, 2015. Collection method: clinical testing. Allele origin: germline. Affected: yes.
Comment: The variant is observed at an extremely low frequency in the gnomAD v4.1.0 dataset (total allele frequency: <0.001%). Predicted Consequence/Location: Frameshift: predicted to result in a loss or disruption of normal protein function through nonsense-mediated decay (NMD) or protein truncation. Multiple pathogenic variants are reported downstream of the variant. The variant has been reported to be associated with SPINK5 related disorder (ClinVar ID: VCV002579679 /PMID: 15304086). Therefore, this variant is classified as Pathogenic according to the recommendation of ACMG/AMP guideline.

Narges Medical Genetic and Prenatal Diagnosis Lab
Classification: Likely pathogenic for Netherton syndrome. Review status: no assertion criteria provided. Collection method: clinical testing. Allele origin: germline. Inheritance: Autosomal recessive inheritance. Observed: 1 heterozygote. Not counted in ClinVar's aggregate classification.

Literature cited by the submitters: PubMed 11511292 (cited by Labcorp Genetics (formerly Invitae), Labcorp); PubMed 11841556 (cited by Labcorp Genetics (formerly Invitae), Labcorp); PubMed 15304086 (cited by Labcorp Genetics (formerly Invitae), Labcorp and 3billion); PubMed 17989726 (cited by Labcorp Genetics (formerly Invitae), Labcorp).